The following is an entry in ClinVar:

ClinVar aggregate classification (germline): Benign/Likely benign. Review status: criteria provided, multiple submitters, no conflicts (2 of 4 stars). 17 submissions from 17 submitters: Benign (6); Likely benign (7). 4 of the submissions do not count toward it. Last evaluated 2026-06-01.

Conditions:
Colorectal cancer, susceptibility to, 12 (CRCS12). Also called: COLORECTAL CANCER, SUSCEPTIBILITY TO, ON CHROMOSOME 12q24. Identifiers: Orphanet 220460, MedGen C3554460, MONDO:0014038, OMIM 615083.
Hereditary cancer-predisposing syndrome. Also called: Tumor predisposition; Hereditary Cancer Syndrome; Neoplastic Syndromes, Hereditary; Hereditary neoplastic syndrome. Identifiers: Orphanet 140162, MedGen C0027672, MeSH D009386, MONDO:0015356.
Carcinoma of colon (CRC). Also called: Colonic carcinoma; Colon carcinoma. Identifiers: MedGen C0699790, MONDO:0002032.

Allele frequency attached by ClinVar (database versions not stated): 1000 Genomes Project 30x 0.00016; 1000 Genomes Project 0.00020; TOPMed 0.00045; ESP Exome Variant Server 0.00046; gnomAD exomes 0.00066 and 0.00100; gnomAD 0.00090 and 0.00094; ExAC 0.00119.
gnomAD v4.1: 1,100 of 1,612,642 alleles (0.068%); highest among the groups gnomAD compares: Non-Finnish European, 0.066%; 3 homozygotes.

Submissions (17):

CeGaT Center for Human Genetics Tuebingen
Classification: Likely benign. Last evaluated: 2026-06-01. Review status: criteria provided, single submitter. Criteria: CeGaT Center For Human Genetics Tuebingen Variant Classification Criteria Version 2. Collection method: clinical testing. Allele origin: germline. Affected: yes. Observed: 11 variant alleles.
Comment: POLE: BP4, BP7

Labcorp Genetics (formerly Invitae), Labcorp
Classification: Benign. Last evaluated: 2026-02-03. Review status: criteria provided, single submitter. Criteria: Invitae Variant Classification Sherloc (09022015). Collection method: clinical testing. Allele origin: germline.

Mayo Clinic Laboratories, Mayo Clinic
Classification: Likely benign. Last evaluated: 2025-10-23. Review status: criteria provided, single submitter. Criteria: ACMG Guidelines, 2015. Collection method: clinical testing. Allele origin: germline. Observed: 1 variant allele.
Comment: BS1, BP4, BP7

ARUP Laboratories, Molecular Genetics and Genomics, ARUP Laboratories
Classification: Likely benign. Last evaluated: 2025-06-02. Review status: criteria provided, single submitter. Criteria: ARUP Molecular Germline Variant Investigation Process 2024. Collection method: clinical testing. Allele origin: germline.

Center for Genomic Medicine, Rigshospitalet, Copenhagen University Hospital
Classification: Likely benign. Last evaluated: 2025-03-04. Review status: criteria provided, single submitter. Criteria: ACMG Guidelines, 2015. Collection method: clinical testing. Allele origin: germline.

Myriad Genetics, Inc.
Classification: Benign for Colorectal cancer, susceptibility to, 12. Last evaluated: 2025-02-10. Review status: criteria provided, single submitter. Criteria: Myriad Autosomal Dominant, Autosomal Recessive and X-Linked Classification Criteria (2023). Collection method: clinical testing. Allele origin: unknown.
Comment: This variant is considered benign. This variant is a silent/synonymous amino acid change and it is not expected to impact splicing.

Blueprint Genetics
Classification: Likely benign. Last evaluated: 2024-10-16. Review status: criteria provided, single submitter. Criteria: ACMG Guidelines, 2015. Collection method: clinical testing. Allele origin: germline.

Quest Diagnostics Nichols Institute San Juan Capistrano
Classification: Benign. Last evaluated: 2022-11-14. Review status: criteria provided, single submitter. Criteria: Quest Diagnostics criteria. Collection method: clinical testing. Allele origin: unknown.

Women's Health and Genetics/Laboratory Corporation of America, LabCorp
Classification: Benign. Last evaluated: 2021-06-13. Review status: criteria provided, single submitter. Criteria: LabCorp Variant Classification Summary - May 2015. Collection method: clinical testing. Allele origin: germline.

Sema4
Classification: Benign for Hereditary cancer-predisposing syndrome. Last evaluated: 2020-09-25. Review status: criteria provided, single submitter. Criteria: Sema4 Curation Guidelines. Collection method: curation. Allele origin: germline.

GeneDx
Classification: Likely benign. Last evaluated: 2018-02-20. Review status: criteria provided, single submitter. Criteria: GeneDx Variant Classification (06012015). Collection method: clinical testing. Allele origin: germline. Affected: yes.
Comment: This variant is considered likely benign or benign based on one or more of the following criteria: it is a conservative change, it occurs at a poorly conserved position in the protein, it is predicted to be benign by multiple in silico algorithms, and/or has population frequency not consistent with disease.

PreventionGenetics, part of Exact Sciences
Classification: Benign. Last evaluated: 2016-12-08. Review status: criteria provided, single submitter. Criteria: ACMG Guidelines, 2015. Collection method: clinical testing. Allele origin: germline.

Ambry Genetics
Classification: Likely benign for Hereditary cancer-predisposing syndrome. Last evaluated: 2015-07-07. Review status: criteria provided, single submitter. Criteria: Ambry Variant Classification Scheme 2023. Collection method: clinical testing. Allele origin: germline.

True Health Diagnostics
Classification: Likely benign for Hereditary cancer-predisposing syndrome. Last evaluated: 2018-02-20. Review status: no assertion criteria provided. Collection method: clinical testing. Allele origin: germline. Not counted in ClinVar's aggregate classification.

Clinical Genetics DNA and cytogenetics Diagnostics Lab, Erasmus MC, Erasmus Medical Center
Classification: Likely benign. Review status: no assertion criteria provided. Collection method: clinical testing. Allele origin: germline. Affected: yes. Study: VKGL Data-share Consensus. Not counted in ClinVar's aggregate classification.

Clinical Genetics, Academic Medical Center
Classification: Likely benign. Review status: no assertion criteria provided. Collection method: clinical testing. Allele origin: germline. Affected: yes. Study: VKGL Data-share Consensus. Not counted in ClinVar's aggregate classification.

Department of Pathology and Laboratory Medicine, Sinai Health System
Classification: Likely benign for Carcinoma of colon. Review status: no assertion criteria provided. Collection method: clinical testing. Allele origin: unknown. Affected: yes. Study: The Canadian Open Genetics Repository (COGR). Not counted in ClinVar's aggregate classification.
Comment: The POLE pThr449T= variant was not identified in the literature. The variant was identified in dbSNP (rs142373951) as â€šÃ„Ãºwith likely benign alleleâ€šÃ„Ã¹, ClinVar (interpreted as "likely benign" by Ambry Genetics and 4 others and "benign" by Invitae and 1 other). The variant was identified in control databases in 302 of 275,634 chromosomes (2 homozygous) at a frequency of 0.001 increasing the likelihood this could be a low frequency benign variant (Genome Aggregation Database Feb 27, 2017). The variant was observed in the following populations: African in 2 of 23,998 chromosomes (freq: 0.00008), Other in 8 of 6452 chromosomes (freq: 0.001), Latino in 5 of 34,410 chromosomes (freq: 0.0001), European in 190 of 126,412 chromosomes (freq: 0.002), Ashkenazi Jewish in 1 of 10,146 chromosomes (freq: 0.0001), Finnish in 93 of 24,582 chromosomes (freq: 0.004), and South Asian in 3 of 30,780 chromosomes (freq: 0.00009); it was not observed in the East Asian population. The p.Thr449= variant is not expected to have clinical significance because it does not result in a change of amino acid and is not located in a known consensus splice site. The variant occurs outside of the splicing consensus sequence and 2 of 4 in silico or computational prediction software programs (SpliceSiteFinder, MaxEntScan, NNSPLICE, GeneSplicer) predict a greater than 10% difference in splicing; this is not very predictive of pathogenicity. In summary, based on the above information the clinical significance of this variant cannot be determined with certainty at this time although we would lean towards a more benign role for this variant. This variant is classified as likely benign.

NM_006231.4(POLE):c.1347G>A (p.Thr449=)

Gene: POLE (DNA polymerase epsilon, catalytic subunit; minus strand). Cytogenetic location: 12q24.33.
Variant type: single nucleotide variant.
Coding change: c.1347G>A on transcript NM_006231.4 (MANE Select); coding-DNA position 1347, G replaced by A.
Protein change: p.Thr449=; no amino-acid change (threonine 449 retained).
Molecular consequence: synonymous variant.
Genome position (GRCh38, 1-based): chr12:132,673,587, C>T on the plus strand (G>A on the coding strand, the complement: POLE is on the minus strand). VCF-style: chr12-132673587-C-T. GRCh37 (hg19) VCF-style: chr12-133250173-C-T.
Other names: p.Thr449=.
Identifiers: ClinVar variation 240388 (VCV000240388.72), dbSNP rs142373951, ClinGen allele CA6893998.